The following is an entry in ClinVar:

NM_001134673.4(NFIA):c.25C>T (p.Gln9Ter)

Gene: NFIA (nuclear factor I A; plus strand). Cytogenetic location: 1p31.3.
Variant type: single nucleotide variant.
Coding change: c.25C>T on transcript NM_001134673.4 (MANE Select); coding-DNA position 25, C replaced by T.
Protein change: p.Gln9Ter; replaces glutamine 9 with a stop codon.
Molecular consequence: nonsense. On other transcripts: intron variant (1).
Genome position (GRCh38, 1-based): chr1:61,082,816, C>T. VCF-style: chr1-61082816-C-T. GRCh37 (hg19) VCF-style: chr1-61548488-C-T.
Other names: c.160C>T, p.Gln54Ter (NM_001145512.2); c.25C>T, p.Gln9Ter (NM_005595.5); c.3+5188C>T (NM_001145511.2); short protein forms Q54*, Q9*.
Identifiers: ClinVar variation 2738411 (VCV002738411.3), dbSNP rs2524179770, ClinGen allele CA340586092.

ClinVar aggregate classification (germline): Pathogenic (1 of 4 stars; one submission).

Submission:

Labcorp Genetics (formerly Invitae), Labcorp
Classification: Pathogenic. Last evaluated: 2024-11-15. Review status: criteria provided, single submitter. Criteria: Invitae Variant Classification Sherloc (09022015). Collection method: clinical testing. Allele origin: germline.
Comment: This sequence change creates a premature translational stop signal (p.Gln9*) in the NFIA gene. It is expected to result in an absent or disrupted protein product. Loss-of-function variants in NFIA are known to be pathogenic (PMID: 27081522, 31730271). This variant is not present in population databases (gnomAD no frequency). This variant has not been reported in the literature in individuals affected with NFIA-related conditions. ClinVar contains an entry for this variant (Variation ID: 2738411). For these reasons, this variant has been classified as Pathogenic.

Literature cited by the submitters: PubMed 27081522; PubMed 31730271.